The following is an entry in ClinVar:

NM_004525.3(LRP2):c.1792G>A (p.Gly598Ser)

Gene: LRP2 (LDL receptor related protein 2; minus strand). Cytogenetic location: 2q31.1.
Variant type: single nucleotide variant.
Coding change: c.1792G>A on transcript NM_004525.3 (MANE Select); coding-DNA position 1792, G replaced by A.
Protein change: p.Gly598Ser; replaces glycine 598 with serine.
Molecular consequence: missense variant.
Genome position (GRCh38, 1-based): chr2:169,275,219, C>T on the plus strand (G>A on the coding strand, the complement: LRP2 is on the minus strand). VCF-style: chr2-169275219-C-T. GRCh37 (hg19) VCF-style: chr2-170131729-C-T.
Other names: c.1792G>A (NM_004525.2); short protein forms G598S.
Identifiers: ClinVar variation 1411411 (VCV001411411.7), dbSNP rs374368151, ClinGen allele CA1955462.
Genomic context (GRCh38, chr2:169,275,219, plus strand): 5'-CTGTAAAGAACACCTGACCTTCAAATAAGCTTACTCCAAAGGGATGAGGAATGAGGGAGC[C>T]TCCATGAACTACAGTCTTCCTGTTATAAAAGACACATATATATCATACAATTTGTTAGTT-3'
Protein context (NP_004516.2, residues 588-608): GIQRKTVVHG[Gly598Ser]SLIPHPFGVS

ClinVar aggregate classification (germline): Uncertain significance. Review status: criteria provided, multiple submitters, no conflicts (2 of 4 stars). 4 submissions from 4 submitters: Uncertain significance (4). Last evaluated 2024-07-17.

Conditions:
Donnai-Barrow syndrome. Also called: DBS/FOAR SYNDROME; FACIOOCULOACOUSTICORENAL SYNDROME. Identifiers: Orphanet 2143, MedGen C1857277, MONDO:0009104, OMIM 222448.

Allele frequency attached by ClinVar (database versions not stated): ExAC 0.00006; ESP Exome Variant Server 0.00008; gnomAD exomes 0.00009 and 0.00020; gnomAD 0.00014 and 0.00015; TOPMed 0.00014.
gnomAD v4.1: 309 of 1,613,356 alleles (0.019%); highest among the groups gnomAD compares: Non-Finnish European, 0.025%; no homozygotes.

Submissions (4):

Blueprint Genetics
Classification: Uncertain significance. Last evaluated: 2024-07-17. Review status: criteria provided, single submitter. Criteria: ACMG Guidelines, 2015. Collection method: clinical testing. Allele origin: germline.

Fulgent Genetics
Classification: Uncertain significance for Donnai-Barrow syndrome. Last evaluated: 2024-01-24. Review status: criteria provided, single submitter. Criteria: ACMG Guidelines, 2015. Collection method: clinical testing. Allele origin: germline.

GeneDx
Classification: Uncertain significance. Last evaluated: 2022-11-27. Review status: criteria provided, single submitter. Criteria: GeneDx Variant Classification Process June 2021. Collection method: clinical testing. Allele origin: germline. Affected: yes.
Comment: In silico analysis supports that this missense variant has a deleterious effect on protein structure/function; Has not been previously published as pathogenic or benign to our knowledge

Labcorp Genetics (formerly Invitae), Labcorp
Classification: Uncertain significance. Last evaluated: 2022-10-13. Review status: criteria provided, single submitter. Criteria: Invitae Variant Classification Sherloc (09022015). Collection method: clinical testing. Allele origin: germline.
Comment: This sequence change replaces glycine, which is neutral and non-polar, with serine, which is neutral and polar, at codon 598 of the LRP2 protein (p.Gly598Ser). This variant is present in population databases (rs374368151, gnomAD 0.02%). This variant has not been reported in the literature in individuals affected with LRP2-related conditions. ClinVar contains an entry for this variant (Variation ID: 1411411). Algorithms developed to predict the effect of missense changes on protein structure and function are either unavailable or do not agree on the potential impact of this missense change (SIFT: "Tolerated"; PolyPhen-2: "Possibly Damaging"; Align-GVGD: "Class C0"). In summary, the available evidence is currently insufficient to determine the role of this variant in disease. Therefore, it has been classified as a Variant of Uncertain Significance.